The following is an entry in ClinVar:

NM_005476.7(GNE):c.1717T>A (p.Ser573Thr)

Gene: GNE (glucosamine (UDP-N-acetyl)-2-epimerase/N-acetylmannosamine kinase; minus strand). Cytogenetic location: 9p13.3.
Variant type: single nucleotide variant.
Coding change: c.1717T>A on transcript NM_005476.7 (MANE Select); coding-DNA position 1717, T replaced by A.
Protein change: p.Ser573Thr; replaces serine 573 with threonine.
Molecular consequence: missense variant.
Genome position (GRCh38, 1-based): chr9:36,219,937, A>T on the plus strand (T>A on the coding strand, the complement: GNE is on the minus strand). VCF-style: chr9-36219937-A-T. GRCh37 (hg19) VCF-style: chr9-36219934-A-T.
Other names: c.1810T>A, p.Ser604Thr (NM_001128227.3); c.1495T>A, p.Ser499Thr (NM_001190383.3); c.1387T>A, p.Ser463Thr (NM_001190384.3); c.1540T>A, p.Ser514Thr (NM_001190388.2, NM_001374798.1); c.1564T>A, p.Ser522Thr (NM_001374797.1); short protein forms S499T, S463T, S514T, S573T, S604T, S522T.
Identifiers: ClinVar variation 1359201 (VCV001359201.8), dbSNP rs2133006773, ClinGen allele CA373425683.
Genomic context (GRCh38, chr9:36,219,937, plus strand): 5'-CAGAGGCGTATGCTTCAATGCACCCATGGCTTCCACAGGAACAATCAGGCCCATCCAGAG[A>T]CACAACAAGGTGGCCCAGTTCTGCAGCACAGAAGGAGCTTCCGTGGATCAATTCATGCTG-3'
Protein context (NP_005467.1, residues 563-583): CAAELGHLVV[Ser573Thr]LDGPDCSCGS

ClinVar aggregate classification (germline): Uncertain significance (1 of 4 stars; one submission).

Conditions:
Sialuria. Also called: SIALURIA, FRENCH TYPE; Sialic Acid Storage Disease. Identifiers: Orphanet 3166, MedGen C0342853, MONDO:0010028, OMIM 269921.
GNE myopathy (NM). Also called: MYOPATHY, DISTAL, WITH OR WITHOUT RIMMED VACUOLES; INCLUSION BODY MYOPATHY, HEREDITARY, AUTOSOMAL RECESSIVE; INCLUSION BODY MYOPATHY 2, AUTOSOMAL RECESSIVE; IBM 2; Inclusion body myopathy autosomal recessive; Inclusion body myopathy quadriceps sparing. Identifiers: Orphanet 602, MedGen C1853926, MONDO:0011603, OMIM 605820.

Submission:

Labcorp Genetics (formerly Invitae), Labcorp
Classification: Uncertain significance for Sialuria; GNE myopathy. Last evaluated: 2023-09-25. Review status: criteria provided, single submitter. Criteria: Invitae Variant Classification Sherloc (09022015). Collection method: clinical testing. Allele origin: germline.
Comment: Advanced modeling of protein sequence and biophysical properties (such as structural, functional, and spatial information, amino acid conservation, physicochemical variation, residue mobility, and thermodynamic stability) has been performed at Invitae for this missense variant, however the output from this modeling did not meet the statistical confidence thresholds required to predict the impact of this variant on GNE protein function. In summary, the available evidence is currently insufficient to determine the role of this variant in disease. Therefore, it has been classified as a Variant of Uncertain Significance. ClinVar contains an entry for this variant (Variation ID: 1359201). This variant has not been reported in the literature in individuals affected with GNE-related conditions. This variant is not present in population databases (gnomAD no frequency). This sequence change replaces serine, which is neutral and polar, with threonine, which is neutral and polar, at codon 604 of the GNE protein (p.Ser604Thr).